The following is an entry in ClinVar:

NM_000051.4(ATM):c.4640T>C (p.Ile1547Thr)

Gene: ATM (ATM serine/threonine kinase; plus strand). Cytogenetic location: 11q22.3.
Variant type: single nucleotide variant.
Coding change: c.4640T>C on transcript NM_000051.4 (MANE Select); coding-DNA position 4640, T replaced by C.
Protein change: p.Ile1547Thr; replaces isoleucine 1547 with threonine.
Molecular consequence: missense variant.
Genome position (GRCh38, 1-based): chr11:108,293,341, T>C. VCF-style: chr11-108293341-T-C. GRCh37 (hg19) VCF-style: chr11-108164068-T-C.
Other names: c.4640T>C, p.Ile1547Thr (NM_001351834.2); short protein forms I1547T.
Identifiers: ClinVar variation 485175 (VCV000485175.26), dbSNP rs1555100432, ClinGen allele CA382534624.
Genomic context (GRCh38, chr11:108,293,341, plus strand): 5'-CTTATAATTTTTTCTTTTTAAATTATATTTAGGTATTGGACTTGTTGAAATACTTAGTGA[T>C]AGATAACAAGGATAATGAAAACCTCTATATCACGATTAAGCTTTTAGATCCTTTTCCTGA-3'
Protein context (NP_000042.3, residues 1537-1557): QVLDLLKYLV[Ile1547Thr]DNKDNENLYI

ClinVar aggregate classification (germline): Uncertain significance. Review status: criteria provided, multiple submitters, no conflicts (2 of 4 stars). 8 submissions from 8 submitters: Uncertain significance (5). 3 of the submissions do not count toward it. Last evaluated 2026-01-20.

Conditions:
Hereditary cancer-predisposing syndrome. Also called: Hereditary neoplastic syndrome; Neoplastic Syndromes, Hereditary; Tumor predisposition; Hereditary Cancer Syndrome. Identifiers: Orphanet 140162, MedGen C0027672, MeSH D009386, MONDO:0015356.
Ataxia-telangiectasia syndrome (AT). Also called: LOUIS-BAR SYNDROME; Cerebello-oculocutaneous telangiectasia; Immunodeficiency with ataxia telangiectasia; AT, COMPLEMENTATION GROUP C; Ataxia-telangiectasia, complementation group D; ATAXIA-TELANGIECTASIA, COMPLEMENTATION GROUP A. Identifiers: Orphanet 100, MedGen C0004135, MONDO:0008840, OMIM 208900.

Allele frequency attached by ClinVar (database versions not stated): gnomAD exomes below 0.00001; gnomAD 0.00001.
gnomAD v4.1: 7 of 1,571,944 alleles (0.00045%); highest among the groups gnomAD compares: Non-Finnish European, 0.00061%; no homozygotes.

Submissions (8):

Labcorp Genetics (formerly Invitae), Labcorp
Classification: Uncertain significance for Ataxia-telangiectasia syndrome. Last evaluated: 2026-01-20. Review status: criteria provided, single submitter. Criteria: Invitae Variant Classification Sherloc (09022015). Collection method: clinical testing. Allele origin: germline.
Comment: This sequence change replaces isoleucine, which is neutral and non-polar, with threonine, which is neutral and polar, at codon 1547 of the ATM protein (p.Ile1547Thr). This variant is not present in population databases (gnomAD no frequency). This missense change has been observed in individual(s) with breast cancer (PMID: 28779002). ClinVar contains an entry for this variant (Variation ID: 485175). Invitae Evidence Modeling of protein sequence and biophysical properties (such as structural, functional, and spatial information, amino acid conservation, physicochemical variation, residue mobility, and thermodynamic stability) indicates that this missense variant is not expected to disrupt ATM protein function with a negative predictive value of 95%. In summary, the available evidence is currently insufficient to determine the role of this variant in disease. Therefore, it has been classified as a Variant of Uncertain Significance.

Center for Genomic Medicine, Rigshospitalet, Copenhagen University Hospital
Classification: Uncertain significance. Last evaluated: 2025-12-29. Review status: criteria provided, single submitter. Criteria: ACMG Guidelines, 2015. Collection method: clinical testing. Allele origin: germline.

Quest Diagnostics Nichols Institute San Juan Capistrano
Classification: Uncertain significance. Last evaluated: 2024-08-22. Review status: criteria provided, single submitter. Criteria: Quest Diagnostics criteria. Collection method: clinical testing. Allele origin: unknown.
Comment: The ATM c.4640T>C (p.Ile1547Thr) variant has been reported in the published literature in individuals affected with breast cancer (PMID: 28779002 (2017), 33471991 (2021) see also LOVD, 35884425 (2022)) as well as reportedly healthy individuals (PMID: 33471991 (2021) see also LOVD, 35884425 (2022)). The frequency of this variant in the general population, 0.0000041 (1/244654 chromosomes (Genome Aggregation Database)), is uninformative in the assessment of its pathogenicity. Analysis of this variant using bioinformatics tools for the prediction of the effect of amino acid changes on protein structure and function yielded predictions that this variant is damaging. Based on the available information, we are unable to determine the clinical significance of this variant.

Ambry Genetics
Classification: Uncertain significance for Hereditary cancer-predisposing syndrome. Last evaluated: 2024-08-09. Review status: criteria provided, single submitter. Criteria: Ambry Variant Classification Scheme 2023. Collection method: clinical testing. Allele origin: germline.
Comment: The p.I1547T variant (also known as c.4640T>C), located in coding exon 30 of the ATM gene, results from a T to C substitution at nucleotide position 4640. The isoleucine at codon 1547 is replaced by threonine, an amino acid with similar properties. This alteration has been reported in at least one subject in a study of 13087 breast cancer cases and 5488 control individuals in the UK (Decker B et al. J Med Genet, 2017 11;54:732-741). This amino acid position is well conserved in available vertebrate species. In addition, the in silico prediction for this alteration is inconclusive. Based on the available evidence, the clinical significance of this variant remains unclear.

Color Diagnostics, LLC DBA Color Health
Classification: Uncertain significance for Hereditary cancer-predisposing syndrome. Last evaluated: 2024-08-06. Review status: criteria provided, single submitter. Criteria: ACMG Guidelines, 2015. Collection method: clinical testing. Allele origin: germline.
Comment: This missense variant replaces isoleucine with threonine at codon 1547 of the ATM protein. Computational prediction suggests that this variant may not impact protein structure and function. To our knowledge, functional studies have not been reported for this variant. This variant has been reported in an individual affected with breast cancer (PMID: 28779002). This variant has been identified in 1/244654 chromosomes in the general population by the Genome Aggregation Database (gnomAD). The available evidence is insufficient to determine the role of this variant in disease conclusively. Therefore, this variant is classified as a Variant of Uncertain Significance.

Clinical Genetics Laboratory, Department of Pathology, Netherlands Cancer Institute
Classification: Uncertain significance. Review status: no assertion criteria provided. Collection method: clinical testing. Allele origin: germline. Affected: yes. Study: VKGL Data-share Consensus. Not counted in ClinVar's aggregate classification.

Diagnostic Laboratory, Department of Genetics, University Medical Center Groningen
Classification: Uncertain significance. Review status: no assertion criteria provided. Collection method: clinical testing. Allele origin: germline. Affected: yes. Study: VKGL Data-share Consensus. Not counted in ClinVar's aggregate classification.

Laboratory of Diagnostic Genome Analysis, Leiden University Medical Center (LUMC)
Classification: Uncertain significance. Review status: no assertion criteria provided. Collection method: clinical testing. Allele origin: germline. Affected: yes. Study: VKGL Data-share Consensus. Not counted in ClinVar's aggregate classification.

Literature cited by the submitters: PubMed 28779002 (cited by 4 submitters); PubMed 33471991 (cited by Quest Diagnostics Nichols Institute San Juan Capistrano); PubMed 35884425 (cited by Quest Diagnostics Nichols Institute San Juan Capistrano).